The following is an entry in ClinVar:

ClinVar aggregate classification (germline): Uncertain significance (1 of 4 stars; one submission).

Conditions:
COL7A1-related disorder. Also called: COL7A1- related disorders; COL7A1-related condition.

gnomAD v4.1: 1 of 1,603,732 alleles (0.000062%); highest among the groups gnomAD compares: Non-Finnish European, 0.000085%; no homozygotes.

Submission:

3billion
Classification: Uncertain significance for COL7A1-related disorder. Last evaluated: 2025-09-16. Review status: criteria provided, single submitter. Criteria: ACMG Guidelines, 2015. Collection method: clinical testing. Allele origin: germline. Affected: yes.
Comment: The variant is observed at an extremely low frequency in the gnomAD v4.1.0 dataset (total allele frequency: <0.001%). Predicted Consequence/Location: Intron variant In silico tools predict the variant to alter splicing and produce an abnormal transcript [SpliceAI: 0.89 (>=0.2, moderate evidence for spliceogenicity)]. Therefore, this variant is classified as VUS according to the recommendation of ACMG/AMP guideline.

NM_000094.4(COL7A1):c.1636+59C>G

Gene: COL7A1 (collagen type VII alpha 1 chain; minus strand). Cytogenetic location: 3p21.31.
Variant type: single nucleotide variant.
Coding change: c.1636+59C>G on transcript NM_000094.4 (MANE Select); 59 bases into the intron after coding-DNA position 1636, C replaced by G.
Molecular consequence: intron variant.
Genome position (GRCh38, 1-based): chr3:48,591,405, G>C on the plus strand (C>G on the coding strand, the complement: COL7A1 is on the minus strand). VCF-style: chr3-48591405-G-C. GRCh37 (hg19) VCF-style: chr3-48628838-G-C.
Identifiers: ClinVar variation 4854251 (VCV004854251.1).